The following is an entry in ClinVar:

ClinVar aggregate classification (germline): Uncertain significance (1 of 4 stars; one submission).

Conditions:
Catecholaminergic polymorphic ventricular tachycardia 1. Also called: VENTRICULAR TACHYCARDIA, CATECHOLAMINERGIC POLYMORPHIC, 1, WITH OR WITHOUT ATRIAL DYSFUNCTION AND/OR DILATED CARDIOMYOPATHY; RYR2-Related Catecholaminergic Polymorphic Ventricular Tachycardia; VENTRICULAR TACHYCARDIA, STRESS-INDUCED POLYMORPHIC 1. Identifiers: Orphanet 3286, MedGen C1631597, MONDO:0011484, OMIM 604772.

Submission:

Helix
Classification: Uncertain significance for Catecholaminergic polymorphic ventricular tachycardia 1. Last evaluated: 2026-02-25. Review status: criteria provided, single submitter. Criteria: ACMG Guidelines, 2015. Collection method: clinical testing. Allele origin: germline. Inheritance: Autosomal dominant inheritance.
Comment: This variant (NM_001035.3:c.164C>T p.Ser55Phe) results in the substitution of serine with phenylalanine at codon 55 in the RYR2 protein. It is a rare variant that is absent from the large gnomAD population database (v4.1). To our knowledge, this variant has not been reported in individuals with RYR2-related conditions in the published literature. In silico prediction from REVEL (PMID: 27666373) suggests that this variant may be deleterious. In conclusion, since the available evidence is limited, the clinical significance of this variant is unclear at this time. Therefore, it is classified as a Variant of Uncertain Significance.

NM_001035.3(RYR2):c.164C>T (p.Ser55Phe)

Gene: RYR2 (ryanodine receptor 2; plus strand). Cytogenetic location: 1q43.
Variant type: single nucleotide variant.
Coding change: c.164C>T on transcript NM_001035.3 (MANE Select); coding-DNA position 164, C replaced by T.
Protein change: p.Ser55Phe; replaces serine 55 with phenylalanine.
Molecular consequence: missense variant.
Genome position (GRCh38, 1-based): chr1:237,270,612, C>T. VCF-style: chr1-237270612-C-T. GRCh37 (hg19) VCF-style: chr1-237433912-C-T.
Other names: short protein forms S55F.
Identifiers: ClinVar variation 4890834 (VCV004890834.1).